The following is an entry in ClinVar:

NM_001367624.2(ZNF469):c.11261G>A (p.Ser3754Asn)

Gene: ZNF469 (zinc finger protein 469; plus strand). Cytogenetic location: 16q24.2.
Variant type: single nucleotide variant.
Coding change: c.11261G>A on transcript NM_001367624.2 (MANE Select); coding-DNA position 11261, G replaced by A.
Protein change: p.Ser3754Asn; replaces serine 3754 with asparagine.
Molecular consequence: missense variant.
Genome position (GRCh38, 1-based): chr16:88,438,731, G>A. VCF-style: chr16-88438731-G-A. GRCh37 (hg19) VCF-style: chr16-88505139-G-A.
Other names: NM_001127464.1:c.11177G>A; NM_001127464.2:c.11177G>A; short protein forms S3754N.
Identifiers: ClinVar variation 1796455 (VCV001796455.3), dbSNP rs1053274537, ClinGen allele CA286387759.

ClinVar aggregate classification (germline): Uncertain significance. Review status: criteria provided, multiple submitters, no conflicts (2 of 4 stars). 2 submissions from 2 submitters: Uncertain significance (2). Last evaluated 2025-04-15.

Conditions:
ZNF469-related disorder. Also called: ZNF469-related condition.
Cardiovascular phenotype. Identifiers: MedGen CN230736.

Allele frequency attached by ClinVar (database versions not stated): gnomAD exomes below 0.00001; TOPMed below 0.00001.
gnomAD v4.1: 3 of 1,550,040 alleles (0.00019%); highest among the groups gnomAD compares: South Asian, 0.0012%; no homozygotes.

Submissions (2):

PreventionGenetics, part of Exact Sciences
Classification: Uncertain significance for ZNF469-related condition. Last evaluated: 2025-04-15. Review status: criteria provided, single submitter. Criteria: ACMG Guidelines, 2015. Collection method: clinical testing. Allele origin: germline.
Comment: The ZNF469 c.11177G>A variant is predicted to result in the amino acid substitution p.Ser3726Asn. To our knowledge, this variant has not been reported in the literature. This variant is reported in 0.0018% of alleles in individuals of European (Non-Finnish) descent in gnomAD. At this time, the clinical significance of this variant is uncertain due to the absence of conclusive functional and genetic evidence.

Ambry Genetics
Classification: Uncertain significance for Cardiovascular phenotype. Last evaluated: 2021-02-03. Review status: criteria provided, single submitter. Criteria: Ambry Variant Classification Scheme 2023. Collection method: clinical testing. Allele origin: germline.
Comment: The p.S3726N variant (also known as c.11177G>A), located in coding exon 2 of the ZNF469 gene, results from a G to A substitution at nucleotide position 11177. The serine at codon 3726 is replaced by asparagine, an amino acid with highly similar properties. This amino acid position is not well conserved in available vertebrate species. In addition, this alteration is predicted to be tolerated by in silico analysis. Since supporting evidence is limited at this time, the clinical significance of this alteration remains unclear.